The following is an entry in ClinVar:

ClinVar aggregate classification (germline): Uncertain significance. Review status: criteria provided, multiple submitters, no conflicts (2 of 4 stars). 3 submissions from 3 submitters: Uncertain significance (3). Last evaluated 2025-04-30.

Conditions:
Cardiovascular phenotype. Identifiers: MedGen CN230736.
Long QT syndrome (LQTS). Identifiers: MedGen C0023976, MeSH D008133, MONDO:0002442. Disease mechanism: loss of function. Inheritance: Various modes of inheritance.

gnomAD v4.1: 1 of 1,613,376 alleles (0.000062%); highest among the groups gnomAD compares: Non-Finnish European, 0.000085%; no homozygotes.

Submissions (3):

Ambry Genetics
Classification: Uncertain significance for Cardiovascular phenotype. Last evaluated: 2025-04-30. Review status: criteria provided, single submitter. Criteria: Ambry Variant Classification Scheme 2023. Collection method: clinical testing. Allele origin: germline.
Comment: The p.H1165Y variant (also known as c.3493C>T), located in coding exon 9 of the AKAP9 gene, results from a C to T substitution at nucleotide position 3493. The histidine at codon 1165 is replaced by tyrosine, an amino acid with similar properties. This amino acid position is conserved. In addition, this alteration is predicted to be tolerated by in silico analysis. Based on the available evidence, the clinical significance of this variant remains unclear.

Women's Health and Genetics/Laboratory Corporation of America, LabCorp
Classification: Uncertain significance. Last evaluated: 2023-09-11. Review status: criteria provided, single submitter. Criteria: LabCorp Variant Classification Summary - May 2015. Collection method: clinical testing. Allele origin: germline.

Labcorp Genetics (formerly Invitae), Labcorp
Classification: Uncertain significance for Long QT syndrome. Last evaluated: 2022-07-20. Review status: criteria provided, single submitter. Criteria: Invitae Variant Classification Sherloc (09022015). Collection method: clinical testing. Allele origin: germline.
Comment: In summary, the available evidence is currently insufficient to determine the role of this variant in disease. Therefore, it has been classified as a Variant of Uncertain Significance. This sequence change replaces histidine, which is basic and polar, with tyrosine, which is neutral and polar, at codon 1165 of the AKAP9 protein (p.His1165Tyr). This variant is not present in population databases (gnomAD no frequency). This variant has not been reported in the literature in individuals affected with AKAP9-related conditions. Algorithms developed to predict the effect of missense changes on protein structure and function are either unavailable or do not agree on the potential impact of this missense change (SIFT: "Deleterious"; PolyPhen-2: "Benign"; Align-GVGD: "Class C0").

NM_005751.5(AKAP9):c.3493C>T (p.His1165Tyr)

Gene: AKAP9 (A-kinase anchoring protein 9; plus strand). Cytogenetic location: 7q21.2.
Variant type: single nucleotide variant.
Coding change: c.3493C>T on transcript NM_005751.5 (MANE Select); coding-DNA position 3493, C replaced by T.
Protein change: p.His1165Tyr; replaces histidine 1165 with tyrosine.
Molecular consequence: missense variant.
Genome position (GRCh38, 1-based): chr7:92,012,603, C>T. VCF-style: chr7-92012603-C-T. GRCh37 (hg19) VCF-style: chr7-91641917-C-T.
Other names: c.3493C>T, p.His1165Tyr (NM_147185.3); short protein forms H1165Y.
Identifiers: ClinVar variation 2138924 (VCV002138924.6), dbSNP rs553209225, ClinGen allele CA368126124.